The following is an entry in ClinVar:

NM_152222.2(RELT):c.942C>T (p.Ala314=)

Gene: RELT (RELT TNF receptor; plus strand). Cytogenetic location: 11q13.4.
Variant type: single nucleotide variant.
Coding change: c.942C>T on transcript NM_152222.2 (MANE Select); coding-DNA position 942, C replaced by T.
Protein change: p.Ala314=; no amino-acid change (alanine 314 retained).
Molecular consequence: synonymous variant.
Genome position (GRCh38, 1-based): chr11:73,394,630, C>T. VCF-style: chr11-73394630-C-T. GRCh37 (hg19) VCF-style: chr11-73105675-C-T.
Other names: c.966C>T, p.Ala322= (NM_001425248.1); c.939C>T, p.Ala313= (NM_001425249.1); c.942C>T, p.Ala314= (NM_001425250.1, NM_032871.4); c.894C>T, p.Ala298= (NM_001425251.1); c.684C>T, p.Ala228= (NM_001425253.1).
Identifiers: ClinVar variation 3051926 (VCV003051926.2), dbSNP rs149402638, ClinGen allele CA6178820.
Genomic context (GRCh38, chr11:73,394,630, plus strand): 5'-CTGCTCCCGCTGTAGCCAGAAGAAGTGGCCCGAGGTGCTGCTGTCCCCTGAGGCTGTAGC[C>T]GCCACTACTCCTGTTCCCAGCCTTCTGCCTAACCCGACCAGGGTTCCCAAGGCCGGGGCC-3'
Protein context (NP_689408.1, residues 304-324): PEVLLSPEAV[Ala314=]ATTPVPSLLP

ClinVar aggregate classification (germline): Likely benign (0 of 4 stars; one submission).

Conditions:
RELT-related disorder. Also called: RELT-related condition.

Allele frequency attached by ClinVar (database versions not stated): ExAC 0.00031; gnomAD 0.00076; 1000 Genomes Project 0.00220; ESP Exome Variant Server 0.00108; TOPMed 0.00086; 1000 Genomes Project 30x 0.00234; gnomAD exomes 0.00008.
gnomAD v4.1: 235 of 1,613,720 alleles (0.015%); highest among the groups gnomAD compares: African/African-American, 0.27%; 1 homozygote.

Submission:

PreventionGenetics, part of Exact Sciences
Classification: Likely benign for RELT-related condition. Last evaluated: 2020-01-20. Review status: no assertion criteria provided. Collection method: clinical testing. Allele origin: germline.
Comment: This variant is classified as likely benign based on ACMG/AMP sequence variant interpretation guidelines (Richards et al. 2015 PMID: 25741868, with internal and published modifications).